The following is an entry in ClinVar:

NM_006922.4(SCN3A):c.5719A>G (p.Ile1907Val)

Gene: SCN3A (sodium voltage-gated channel alpha subunit 3; minus strand). Cytogenetic location: 2q24.3.
Variant type: single nucleotide variant.
Coding change: c.5719A>G on transcript NM_006922.4 (MANE Select); coding-DNA position 5719, A replaced by G.
Protein change: p.Ile1907Val; replaces isoleucine 1907 with valine.
Molecular consequence: missense variant.
Genome position (GRCh38, 1-based): chr2:165,090,434, T>C on the plus strand (A>G on the coding strand, the complement: SCN3A is on the minus strand). VCF-style: chr2-165090434-T-C. GRCh37 (hg19) VCF-style: chr2-165946944-T-C.
Other names: c.5572A>G, p.Ile1858Val (NM_001081676.2, NM_001081677.2); short protein forms I1858V, I1907V.
Identifiers: ClinVar variation 3656386 (VCV003656386.2).
Genomic context (GRCh38, chr2:165,090,434, plus strand): 5'-AGTTACTTGATATATTTTTTAACCTTTGCTTTAAAAGATAACATCTGAAATTACGCTGAA[T>C]GATAGCGGCAGACACCTCCTCTTGTTTACGTTTCAAAGTGGTTGTAATAGGCTCATAAGA-3'
Protein context (NP_008853.3, residues 1897-1917): RKQEEVSAAI[Ile1907Val]QRNFRCYLLK

ClinVar aggregate classification (germline): Uncertain significance (1 of 4 stars; one submission).

gnomAD v4.1: 1 of 1,613,954 alleles (0.000062%); highest among the groups gnomAD compares: South Asian, 0.0011%; no homozygotes.

Submission:

Labcorp Genetics (formerly Invitae), Labcorp
Classification: Uncertain significance. Last evaluated: 2024-06-12. Review status: criteria provided, single submitter. Criteria: Invitae Variant Classification Sherloc (09022015). Collection method: clinical testing. Allele origin: germline.
Comment: This sequence change replaces isoleucine, which is neutral and non-polar, with valine, which is neutral and non-polar, at codon 1907 of the SCN3A protein (p.Ile1907Val). This variant is present in population databases (no rsID available, gnomAD 0.003%). This variant has not been reported in the literature in individuals affected with SCN3A-related conditions. Advanced modeling of protein sequence and biophysical properties (such as structural, functional, and spatial information, amino acid conservation, physicochemical variation, residue mobility, and thermodynamic stability) has been performed at Invitae for this missense variant, however the output from this modeling did not meet the statistical confidence thresholds required to predict the impact of this variant on SCN3A protein function. In summary, the available evidence is currently insufficient to determine the role of this variant in disease. Therefore, it has been classified as a Variant of Uncertain Significance.